The following is an entry in ClinVar:

NM_001128228.3(TPRN):c.1818GGA[12] (p.Glu621_Gly622insGluGluGlu)

Gene: TPRN (taperin; minus strand). Cytogenetic location: 9q34.3.
Variant type: Microsatellite.
Coding change: c.1818GGA[12] on transcript NM_001128228.3 (MANE Select); 12 copies in a row of the 3-base unit GGA starting at c.1818; the reference has nine copies in a row; three copies, 9 bases duplicated.
Protein change: p.Glu621_Gly622insGluGluGlu.
Molecular consequence: inframe insertion.
Genome position (GRCh38, 1-based): chr9:137,192,573-137,192,581, TCCTCCTCC duplicated on the plus strand (GGAGGAGGA on the coding strand, the reverse complement: TPRN is on the minus strand); duplicating any 9 consecutive bases within chr9:137,192,573-137,192,600 gives the same sequence; the position shown is the placement nearest the transcript's 3' end. VCF-style (leftmost placement, unchanged base first): chr9-137192572-T-TTCCTCCTCC. GRCh37 (hg19) VCF-style: chr9-140087024-T-TTCCTCCTCC.
Identifiers: ClinVar variation 1693105 (VCV001693105.4), dbSNP rs376810326, ClinGen allele CA467852750.

ClinVar aggregate classification (germline): Uncertain significance. Review status: criteria provided, multiple submitters, no conflicts (2 of 4 stars). 2 submissions from 2 submitters: Uncertain significance (2). Last evaluated 2026-09-10.

Submissions (2):

GeneDx
Classification: Uncertain significance. Last evaluated: 2026-09-10. Review status: criteria provided, single submitter. Criteria: GeneDx Variant Classification Process June 2021. Collection method: clinical testing. Allele origin: germline.
Comment: Reported with a second variant, phase unknown, in an individual with hearing loss in published literature (PMID: 36597107); Not observed at significant frequency in large population cohorts (gnomAD); In-frame duplication of 3 amino acids in a repetitive region with no known function; This variant is associated with the following publications: (PMID: 36597107)

Blueprint Genetics
Classification: Uncertain significance. Last evaluated: 2023-09-18. Review status: criteria provided, single submitter. Criteria: ACMG Guidelines, 2015. Collection method: clinical testing. Allele origin: germline.